The following is an entry in ClinVar:

ClinVar aggregate classification (germline): Pathogenic (1 of 4 stars; one submission).

Conditions:
Neurofibromatosis, type 1 (NF1). Also called: NEUROFIBROMATOSIS, TYPE I, SOMATIC; VON RECKLINGHAUSEN DISEASE; Peripheral type neurofibromatosis; Neurofibromatosis, type I. Identifiers: Orphanet 636, MedGen C0027831, MONDO:0018975, OMIM 162200. Disease mechanism: loss of function.

Submission:

Labcorp Genetics (formerly Invitae), Labcorp
Classification: Pathogenic for Neurofibromatosis, type 1. Last evaluated: 2025-06-18. Review status: criteria provided, single submitter. Criteria: Invitae Variant Classification Sherloc (09022015). Collection method: clinical testing. Allele origin: germline.
Comment: This sequence change creates a premature translational stop signal (p.Ala1726Hisfs*6) in the NF1 gene. It is expected to result in an absent or disrupted protein product. Loss-of-function variants in NF1 are known to be pathogenic (PMID: 10712197, 23913538). This variant is not present in population databases (gnomAD no frequency). This variant has not been reported in the literature in individuals affected with NF1-related conditions. For these reasons, this variant has been classified as Pathogenic.

Literature cited by the submitters: PubMed 10712197; PubMed 23913538.

NM_001042492.3(NF1):c.5239_5249del (p.Ala1747fs)

Gene: NF1 (neurofibromin 1; plus strand). Cytogenetic location: 17q11.2.
Variant type: Deletion.
Coding change: c.5239_5249del on transcript NM_001042492.3 (MANE Select); coding-DNA positions 5239 to 5249, 11 bases deleted (GCTCACAAAGA).
Protein change: p.Ala1747fs; shifts the reading frame from alanine 1747.
Molecular consequence: frameshift variant.
Genome position (GRCh38, 1-based): chr17:31,326,223-31,326,233, GCTCACAAAGA deleted; deleting any 11 consecutive bases within chr17:31,326,222-31,326,233 gives the same sequence; the c. name uses the placement nearest the transcript's 3' end. VCF-style (leftmost placement, unchanged base first): chr17-31326221-TAGCTCACAAAG-T. GRCh37 (hg19) VCF-style: chr17-29653239-TAGCTCACAAAG-T.
Other names: c.5176_5186del, p.Ala1726fs (NM_000267.4); short protein forms A1726fs, A1747fs.
Identifiers: ClinVar variation 4721633 (VCV004721633.1).